The following is an entry in ClinVar:

NM_033004.4(NLRP1):c.3647G>A (p.Gly1216Glu)

Gene: NLRP1 (NLR family pyrin domain containing 1; minus strand). Cytogenetic location: 17p13.2.
Variant type: single nucleotide variant.
Coding change: c.3647G>A on transcript NM_033004.4 (MANE Select); coding-DNA position 3647, G replaced by A.
Protein change: p.Gly1216Glu; replaces glycine 1216 with glutamic acid.
Molecular consequence: missense variant.
Genome position (GRCh38, 1-based): chr17:5,521,660, C>T on the plus strand (G>A on the coding strand, the complement: NLRP1 is on the minus strand). VCF-style: chr17-5521660-C-T. GRCh37 (hg19) VCF-style: chr17-5424980-C-T.
Other names: c.3659G>A, p.Gly1220Glu (NM_001033053.3); c.3647G>A, p.Gly1216Glu (NM_014922.5); c.3557G>A, p.Gly1186Glu (NM_033006.4, NM_033007.4); short protein forms G1186E, G1216E, G1220E.
Identifiers: ClinVar variation 1950238 (VCV001950238.5), dbSNP rs958676690, ClinGen allele CA287278869.

ClinVar aggregate classification (germline): Uncertain significance (1 of 4 stars; one submission).

Allele frequency attached by ClinVar (database versions not stated): gnomAD exomes below 0.00001; gnomAD 0.00001; TOPMed 0.00001.
gnomAD v4.1: 2 of 1,613,850 alleles (0.00012%); highest among the groups gnomAD compares: Non-Finnish European, 0.00017%; no homozygotes.

Submission:

Labcorp Genetics (formerly Invitae), Labcorp
Classification: Uncertain significance. Last evaluated: 2022-09-23. Review status: criteria provided, single submitter. Criteria: Invitae Variant Classification Sherloc (09022015). Collection method: clinical testing. Allele origin: germline.
Comment: This sequence change replaces glycine, which is neutral and non-polar, with glutamic acid, which is acidic and polar, at codon 1216 of the NLRP1 protein (p.Gly1216Glu). This variant is not present in population databases (gnomAD no frequency). This variant has not been reported in the literature in individuals affected with NLRP1-related conditions. Algorithms developed to predict the effect of missense changes on protein structure and function (SIFT, PolyPhen-2, Align-GVGD) all suggest that this variant is likely to be disruptive. In summary, the available evidence is currently insufficient to determine the role of this variant in disease. Therefore, it has been classified as a Variant of Uncertain Significance.